The following is an entry in ClinVar:

NM_020227.4(PRDM9):c.1747A>T (p.Arg583Trp)

Gene: PRDM9 (PR/SET domain 9; plus strand). Cytogenetic location: 5p14.2.
Variant type: single nucleotide variant.
Coding change: c.1747A>T on transcript NM_020227.4 (MANE Select); coding-DNA position 1747, A replaced by T.
Protein change: p.Arg583Trp; replaces arginine 583 with tryptophan.
Molecular consequence: missense variant.
Genome position (GRCh38, 1-based): chr5:23,526,835, A>T. VCF-style: chr5-23526835-A-T. GRCh37 (hg19) VCF-style: chr5-23526944-A-T.
Other names: c.1747A>T, p.Arg583Trp (NM_001376900.1); short protein forms R583W.
Identifiers: ClinVar variation 5041433 (VCV005041433.1).
Genomic context (GRCh38, chr5:23,526,835, plus strand): 5'-TGGAAGTCACACCTCCTCATTCACCAGAGGATACACACAGGGGAGAAGCCCTATGTCTGC[A>T]GGGAGTGTGGGCGGGGCTTTAGCTGGCAGTCAGTCCTCCTCACTCACCAGAGGACACACA-3'
Protein context (NP_064612.2, residues 573-593): IHTGEKPYVC[Arg583Trp]ECGRGFSWQS

ClinVar aggregate classification (germline): Uncertain significance (1 of 4 stars; one submission).

gnomAD v4.1: 8 of 1,607,024 alleles (0.0005%); highest among the groups gnomAD compares: Admixed American, 0.014%; no homozygotes.

Submission:

CeGaT Center for Human Genetics Tuebingen
Classification: Uncertain significance. Last evaluated: 2026-09-01. Review status: criteria provided, single submitter. Criteria: CeGaT Center For Human Genetics Tuebingen Variant Classification Criteria Version 2. Collection method: clinical testing. Allele origin: germline. Affected: yes. Observed: 1 variant allele.
Comment: PRDM9: PM2, BP4